The following is an entry in ClinVar:

ClinVar aggregate classification (germline): Likely benign (0 of 4 stars; one submission).

Conditions:
CPLANE1-related disorder. Also called: CPLANE1-related condition.

Submission:

PreventionGenetics, part of Exact Sciences
Classification: Likely benign for CPLANE1-related condition. Last evaluated: 2019-03-21. Review status: no assertion criteria provided. Collection method: clinical testing. Allele origin: germline.
Comment: This variant is classified as likely benign based on ACMG/AMP sequence variant interpretation guidelines (Richards et al. 2015 PMID: 25741868, with internal and published modifications).

NM_001384732.1(CPLANE1):c.*10_*14del

Gene: CPLANE1 (ciliogenesis and planar polarity effector complex subunit 1; minus strand). Cytogenetic location: 5p13.2.
Variant type: Deletion.
Coding change: c.*10_*14del on transcript NM_001384732.1 (MANE Select); 10 bases downstream of the stop codon through 14 bases downstream of the stop codon, 5 bases deleted (ATCAT; older notation c.*10_*14delATCAT).
Molecular consequence: 3 prime UTR variant.
Genome position (GRCh38, 1-based): chr5:37,107,588-37,107,592, ATGAT deleted on the plus strand (ATCAT on the coding strand, the reverse complement: CPLANE1 is on the minus strand); deleting any 5 consecutive bases within chr5:37,107,588-37,107,594 gives the same sequence; the c. name uses the placement nearest the transcript's 3' end. VCF-style (leftmost placement, unchanged base first): chr5-37107587-AATGAT-A. GRCh37 (hg19) VCF-style: chr5-37107689-AATGAT-A.
Other names: c.*10_*14del (NM_023073.4).
Identifiers: ClinVar variation 3352944 (VCV003352944.1).
Genomic context (GRCh38, chr5:37,107,587, plus strand): 5'-TTAAACCTGTTAATCTTTCAGAACCACATTACTGAGGTGCTGGCCTGTGCATGGAAACCC[AATGAT>A]ATCCAGGTCTTACAGGTCCAGGGCCCAGTGGACAGACAGGCCCTGGTCCTCCACGCTGGC-3'